The following is an entry in ClinVar:

ClinVar aggregate classification (germline): Uncertain significance (1 of 4 stars; one submission).

Conditions:
Epilepsy, familial focal, with variable foci 1 (FFEVF1). Also called: DEPDC5-Related Epilepsy. Identifiers: MedGen C4551983, MONDO:0024556, OMIM 604364.

Allele frequency attached by ClinVar (database versions not stated): gnomAD 0.00001; gnomAD exomes 0.00001; TOPMed 0.00002.
gnomAD v4.1: 10 of 1,611,440 alleles (0.00062%); highest among the groups gnomAD compares: Non-Finnish European, 0.00076%; no homozygotes.

Submission:

Labcorp Genetics (formerly Invitae), Labcorp
Classification: Uncertain significance for Epilepsy, familial focal, with variable foci 1. Last evaluated: 2018-05-07. Review status: criteria provided, single submitter. Criteria: Invitae Variant Classification Sherloc (09022015). Collection method: clinical testing. Allele origin: germline.
Comment: This sequence change falls in intron 5 of the DEPDC5 gene. It does not directly change the encoded amino acid sequence of the DEPDC5 protein, but it affects a nucleotide within the consensus splice site of the intron. This variant is not present in population databases (ExAC no frequency). This variant has not been reported in the literature in individuals with DEPDC5-related disease. Nucleotide substitutions within the consensus splice site are a relatively common cause of aberrant splicing (PMID: 17576681, 9536098). Algorithms developed to predict the effect of sequence changes on RNA splicing suggest that this variant may disrupt the consensus splice site, but this prediction has not been confirmed by published transcriptional studies. In summary, the available evidence is currently insufficient to determine the role of this variant in disease. Therefore, it has been classified as a Variant of Uncertain Significance.

NM_001242896.3(DEPDC5):c.279+3A>G

Gene: DEPDC5 (DEP domain containing 5, GATOR1 subcomplex subunit; plus strand). Cytogenetic location: 22q12.2.
Variant type: single nucleotide variant.
Coding change: c.279+3A>G on transcript NM_001242896.3 (MANE Select); 3 bases into the intron after coding-DNA position 279, A replaced by G.
Molecular consequence: intron variant.
Genome position (GRCh38, 1-based): chr22:31,765,063, A>G. VCF-style: chr22-31765063-A-G. GRCh37 (hg19) VCF-style: chr22-32161049-A-G.
Other names: c.279+3A>G (NM_001364318.2, NM_001136029.4, NM_014662.6 and 9 more transcripts).
Identifiers: ClinVar variation 583020 (VCV000583020.1), dbSNP rs1211730596, ClinGen allele CA639054014.